The following is an entry in ClinVar:

ClinVar aggregate classification (germline): Benign. Review status: criteria provided, multiple submitters, no conflicts (2 of 4 stars). 24 submissions from 18 submitters: Benign (21). 3 of the submissions do not count toward it. Last evaluated 2026-02-04.

Conditions:
Inborn genetic diseases. Identifiers: MedGen C0950123, MeSH D030342.
Drash syndrome (DDS). Also called: NEPHROPATHY, WILMS TUMOR, AND GENITAL ANOMALIES; WILMS TUMOR AND PSEUDO- OR TRUE HERMAPHRODITISM. Identifiers: Orphanet 220, MedGen C0950121, MONDO:0008682, OMIM 194080.
Wilms tumor 1 (WT1). Also called: Wilms tumor, somatic. Identifiers: Orphanet 654, MedGen CN033288, MONDO:0008679, OMIM 194070.
11p partial monosomy syndrome (WAGR). Also called: WAGR Complex; WAGR Spectrum Disorder; CHROMOSOME 11p13 DELETION SYNDROME; WAGR syndrome. Identifiers: Orphanet 893, MedGen C0206115, MONDO:0008681, OMIM 194072.
Frasier syndrome. Identifiers: Orphanet 347, MedGen C0950122, MeSH D052159, MONDO:0007635, OMIM 136680.
Nephrotic syndrome, type 4 (NPHS4). Also called: Familial mesangial sclerosis; Nephrotic syndrome, early onset with diffuse mesangial sclerosis. Identifiers: Orphanet 656, MedGen C3151568, MONDO:0009733, OMIM 256370.
Meacham syndrome. Also called: Meacham Winn Culler syndrome. Identifiers: Orphanet 3097, MedGen C1837026, MONDO:0012164, OMIM 608978.

Allele frequency attached by ClinVar (database versions not stated): gnomAD 0.15374 and 0.16767; gnomAD exomes 0.16870 and 0.27372; TOPMed 0.17339; 1000 Genomes Project 30x 0.29044; 1000 Genomes Project 0.30391; ExAC 0.32426.
gnomAD v4.1: 251,962 of 1,485,642 alleles (17%); highest among the groups gnomAD compares: East Asian, 66%; 29,501 homozygotes.

Submissions (24):

Labcorp Genetics (formerly Invitae), Labcorp
Classification: Benign for Wilms tumor 1; Drash syndrome; 11p partial monosomy syndrome; Frasier syndrome. Last evaluated: 2026-02-04. Review status: criteria provided, single submitter. Criteria: Invitae Variant Classification Sherloc (09022015). Collection method: clinical testing. Allele origin: germline.

Blueprint Genetics
Classification: Benign. Last evaluated: 2024-11-27. Review status: criteria provided, single submitter. Criteria: ACMG Guidelines, 2015. Collection method: clinical testing. Allele origin: germline.

Ambry Genetics
Classification: Benign for Inborn genetic diseases. Last evaluated: 2024-10-28. Review status: criteria provided, single submitter. Criteria: Ambry Variant Classification Scheme 2023. Collection method: clinical testing. Allele origin: germline.

Unidad de Genómica Garrahan, Hospital de Pediatría Garrahan
Classification: Benign. Last evaluated: 2024-07-15. Review status: criteria provided, single submitter. Criteria: ACMG Guidelines, 2015. Collection method: clinical testing. Allele origin: germline. Affected: no. Observed: 43 variant alleles.
Comment: This variant is classified as Benign based on local population frequency. This variant was detected in 46% of patients studied in a panel designed for Epileptic and Developmental Encephalopathy and Progressive Myoclonus Epilepsy. Number of patients: 43. Only high quality variants are reported.

KCCC/NGS Laboratory, Kuwait Cancer Control Center
Classification: Benign for Wilms tumor 1. Last evaluated: 2023-07-07. Review status: criteria provided, single submitter. Criteria: ACMG Guidelines, 2015. Collection method: clinical testing. Allele origin: germline. Affected: yes.

Mayo Clinic Laboratories, Mayo Clinic
Classification: Benign. Last evaluated: 2022-03-09. Review status: criteria provided, single submitter. Criteria: ACMG Guidelines, 2015. Collection method: clinical testing. Allele origin: germline. Observed: 138 variant alleles.

Genome-Nilou Lab
Classification: Benign for Drash syndrome. Last evaluated: 2021-12-05. Review status: criteria provided, single submitter. Criteria: ACMG Guidelines, 2015. Collection method: clinical testing. Allele origin: germline. Affected: no.

Genome-Nilou Lab
Classification: Benign for Frasier syndrome. Last evaluated: 2021-12-05. Review status: criteria provided, single submitter. Criteria: ACMG Guidelines, 2015. Collection method: clinical testing. Allele origin: germline. Affected: no.

Genome-Nilou Lab
Classification: Benign for Meacham syndrome. Last evaluated: 2021-12-05. Review status: criteria provided, single submitter. Criteria: ACMG Guidelines, 2015. Collection method: clinical testing. Allele origin: germline. Affected: no.

Genome-Nilou Lab
Classification: Benign for Nephrotic syndrome, type 4. Last evaluated: 2021-12-05. Review status: criteria provided, single submitter. Criteria: ACMG Guidelines, 2015. Collection method: clinical testing. Allele origin: germline. Affected: no.

Genome-Nilou Lab
Classification: Benign for Wilms tumor 1. Last evaluated: 2021-12-05. Review status: criteria provided, single submitter. Criteria: ACMG Guidelines, 2015. Collection method: clinical testing. Allele origin: germline. Affected: no.

Athena Diagnostics
Classification: Benign. Last evaluated: 2021-03-16. Review status: criteria provided, single submitter. Criteria: Athena Diagnostics Criteria. Collection method: clinical testing. Allele origin: unknown.

Color Diagnostics, LLC DBA Color Health
Classification: Benign for Wilms tumor 1. Last evaluated: 2019-03-28. Review status: criteria provided, single submitter. Criteria: ACMG Guidelines, 2015. Collection method: clinical testing. Allele origin: germline.

Illumina Laboratory Services, Illumina
Classification: Benign for Wilms tumor 1. Last evaluated: 2018-01-13. Review status: criteria provided, single submitter. Criteria: ICSL Variant Classification Criteria 13 December 2019. Collection method: clinical testing. Allele origin: germline.
Comment: This variant was observed in the ICSL laboratory as part of a predisposition screen in an ostensibly healthy population. It had not been previously curated by ICSL or reported in the Human Gene Mutation Database (HGMD: prior to June 1st, 2018), and was therefore a candidate for classification through an automated scoring system. Utilizing variant allele frequency, disease prevalence and penetrance estimates, and inheritance mode, an automated score was calculated to assess if this variant is too frequent to cause the disease. Based on the score and internal cut-off values, a variant classified as benign is not then subjected to further curation. The score for this variant resulted in a classification of benign for this disease.

Illumina Laboratory Services, Illumina
Classification: Benign for Nephrotic syndrome, type 4. Last evaluated: 2018-01-13. Review status: criteria provided, single submitter. Criteria: ICSL Variant Classification Criteria 13 December 2019. Collection method: clinical testing. Allele origin: germline.
Comment: the same text as in the submission from Illumina Laboratory Services, Illumina above.

Illumina Laboratory Services, Illumina
Classification: Benign for Meacham syndrome. Last evaluated: 2018-01-13. Review status: criteria provided, single submitter. Criteria: ICSL Variant Classification Criteria 13 December 2019. Collection method: clinical testing. Allele origin: germline.
Comment: the same text as in the submission from Illumina Laboratory Services, Illumina above.

Women's Health and Genetics/Laboratory Corporation of America, LabCorp
Classification: Benign. Last evaluated: 2016-05-26. Review status: criteria provided, single submitter. Criteria: LabCorp Variant Classification Summary - May 2015. Collection method: clinical testing. Allele origin: germline.
Comment: Variant summary: The WT1 c.330C>T (p.Pro110Pro) variant causes a synonymous change involving a non-conserved nucleotide with 5/5 splice prediction tools predicting no significant effect on splicing and ESE finder predicting effects on ESE binding sites. This variant was found in the large, broad control population, ExAC, with an allele frequency of 1620/4996 (285 homozygotes, 1/3, frequency: 0.3242594), which significantly exceeds the estimated maximal expected allele frequency for a pathogenic WT1 variant of 1/106382 (0.0000094), suggesting this variant is likely a benign polymorphism. In addition, a reputable clinical laboratory cites the variant as "benign." Therefore, the variant of interest is classified as Benign.

GeneDx
Classification: Benign. Last evaluated: 2016-03-03. Review status: criteria provided, single submitter. Criteria: GeneDx Variant Classification (06012015). Collection method: clinical testing. Allele origin: germline. Affected: yes.
Comment: This variant is considered likely benign or benign based on one or more of the following criteria: it is a conservative change, it occurs at a poorly conserved position in the protein, it is predicted to be benign by multiple in silico algorithms, and/or has population frequency not consistent with disease.

Eurofins Ntd Llc (ga)
Classification: Benign. Last evaluated: 2015-05-21. Review status: criteria provided, single submitter. Criteria: EGL Classification Definitions 2015. Collection method: clinical testing. Allele origin: germline. Observed: 7 variant alleles, 4 heterozygotes, 3 homozygotes.

Breakthrough Genomics
Classification: Benign. Review status: criteria provided, single submitter. Criteria: ACMG Guidelines, 2015. Collection method: not provided. Allele origin: germline. Inheritance: Autosomal dominant inheritance. Affected: yes.

PreventionGenetics, part of Exact Sciences
Classification: Benign. Review status: criteria provided, single submitter. Criteria: ACMG Guidelines, 2015. Collection method: clinical testing. Allele origin: germline.

Clinical Genetics DNA and cytogenetics Diagnostics Lab, Erasmus MC, Erasmus Medical Center
Classification: Benign. Review status: no assertion criteria provided. Collection method: clinical testing. Allele origin: germline. Affected: yes. Study: VKGL Data-share Consensus. Not counted in ClinVar's aggregate classification.

Diagnostic Laboratory, Department of Genetics, University Medical Center Groningen
Classification: Benign. Review status: no assertion criteria provided. Collection method: clinical testing. Allele origin: germline. Affected: yes. Study: VKGL Data-share Consensus. Not counted in ClinVar's aggregate classification.

Genome Diagnostics Laboratory, University Medical Center Utrecht
Classification: Benign. Review status: no assertion criteria provided. Collection method: clinical testing. Allele origin: germline. Affected: yes. Study: VKGL Data-share Consensus. Not counted in ClinVar's aggregate classification.

NM_024426.6(WT1):c.345C>T (p.Pro115=)

Genes: WT1 (WT1 transcription factor; minus strand), LOC107982234 (WT1/WT1-AS bi-directional promoter region; plus strand). Cytogenetic location: 11p13.
Variant type: single nucleotide variant.
Coding change: c.345C>T on transcript NM_024426.6 (MANE Select); coding-DNA position 345, C replaced by T.
Protein change: p.Pro115=; no amino-acid change (proline 115 retained).
Molecular consequence: synonymous variant. On other transcripts: non-coding transcript variant (1).
Genome position (GRCh38, 1-based): chr11:32,435,016, G>A on the plus strand (C>T on the coding strand, the complement: WT1 is on the minus strand). VCF-style: chr11-32435016-G-A. GRCh37 (hg19) VCF-style: chr11-32456562-G-A.
Other names: p.Pro115=; c.345C>T, p.Pro115= (NM_000378.6, NM_024424.5).
Identifiers: ClinVar variation 193454 (VCV000193454.33), dbSNP rs1799925, ClinGen allele CA017474.